The following is an entry in ClinVar:

ClinVar aggregate classification (germline): Likely benign. Review status: criteria provided, single submitter (1 of 4 stars). 2 submissions from 2 submitters: Likely benign (1). 1 of the submissions does not count toward it. Last evaluated 2025-10-23.

Conditions:
INF2-related disorder. Also called: INF2-related condition.
Charcot-Marie-Tooth disease dominant intermediate E. Also called: CHARCOT-MARIE-TOOTH NEUROPATHY WITH FOCAL SEGMENTAL GLOMERULONEPHRITIS. Identifiers: Orphanet 93114, MedGen C4302667, MONDO:0013758, OMIM 614455.
Focal segmental glomerulosclerosis 5 (FSGS5). Identifiers: Orphanet 656, MedGen C2750475, MONDO:0013191, OMIM 613237.

gnomAD v4.1: 30 of 1,560,114 alleles (0.0019%); highest among the groups gnomAD compares: East Asian, 0.0048%; no homozygotes.

Submissions (2):

Labcorp Genetics (formerly Invitae), Labcorp
Classification: Likely benign for Charcot-Marie-Tooth disease dominant intermediate E; Focal segmental glomerulosclerosis 5. Last evaluated: 2025-10-23. Review status: criteria provided, single submitter. Criteria: Invitae Variant Classification Sherloc (09022015). Collection method: clinical testing. Allele origin: germline.

PreventionGenetics, part of Exact Sciences
Classification: Likely benign for INF2-related condition. Last evaluated: 2023-05-16. Review status: no assertion criteria provided. Collection method: clinical testing. Allele origin: germline. Not counted in ClinVar's aggregate classification.
Comment: This variant is classified as likely benign based on ACMG/AMP sequence variant interpretation guidelines (Richards et al. 2015 PMID: 25741868, with internal and published modifications).

NM_022489.4(INF2):c.1188C>T (p.Pro396=)

Gene: INF2 (inverted formin 2; plus strand). Cytogenetic location: 14q32.33.
Variant type: single nucleotide variant.
Coding change: c.1188C>T on transcript NM_022489.4 (MANE Select); coding-DNA position 1188, C replaced by T.
Protein change: p.Pro396=; no amino-acid change (proline 396 retained).
Molecular consequence: synonymous variant.
Genome position (GRCh38, 1-based): chr14:104,707,455, C>T. VCF-style: chr14-104707455-C-T. GRCh37 (hg19) VCF-style: chr14-105173792-C-T.
Other names: c.1188C>T, p.Pro396= (NM_001031714.4); c.1188C>T (NM_022489.3).
Identifiers: ClinVar variation 1121670 (VCV001121670.11), dbSNP rs747696039, ClinGen allele CA267323061.